The following is an entry in ClinVar:

ClinVar aggregate classification (germline): Pathogenic (1 of 4 stars; one submission).

Conditions:
Primary ciliary dyskinesia 3. Identifiers: Orphanet 244, MedGen C1837618, MONDO:0012085, OMIM 608644.

Submission:

Myriad Genetics, Inc.
Classification: Pathogenic for Primary ciliary dyskinesia 3. Last evaluated: 2024-05-14. Review status: criteria provided, single submitter. Criteria: Myriad Autosomal Dominant, Autosomal Recessive and X-Linked Classification Criteria (2023). Collection method: clinical testing. Allele origin: unknown.
Comment: NM_001369.2(DNAH5):c.4788del1ins18(Y1600Hfs*33) is expected to be pathogenic in the context of primary ciliary dyskinesia, DNAH5-related. This variant is predicted to lead to an abnormal or absent protein product due to the creation of a premature termination codon in DNAH5, a gene where loss-of-function variants are known to be pathogenic. Please note: this variant was assessed in the context of healthy population screening.

NM_001369.3(DNAH5):c.4788delinsTTCAAATAGACACATGAC (p.Tyr1600fs)

Genes: DNAH5-AS1 (DNAH5 antisense RNA 1; plus strand), DNAH5 (dynein axonemal heavy chain 5; minus strand). Cytogenetic location: 5p15.2.
Variant type: Indel.
Coding change: c.4788delinsTTCAAATAGACACATGAC on transcript NM_001369.3 (MANE Select); coding-DNA position 4788, G replaced by TTCAAATAGACACATGAC.
Protein change: p.Tyr1600fs; shifts the reading frame from tyrosine 1600.
Molecular consequence: frameshift variant.
Genome position (GRCh38, 1-based): chr5:13,862,556, C replaced by GTCATGTGTCTATTTGAA on the plus strand (G replaced by TTCAAATAGACACATGAC on the coding strand, the reverse complement: DNAH5 is on the minus strand). VCF-style: chr5-13862556-C-GTCATGTGTCTATTTGAA. GRCh37 (hg19) VCF-style: chr5-13862665-C-GTCATGTGTCTATTTGAA.
Other names: short protein forms Y1600fs.
Identifiers: ClinVar variation 5010811 (VCV005010811.1).